The following is an entry in ClinVar:

NM_005228.5(EGFR):c.2427T>C (p.Ile809=)

Genes: EGFR-AS1 (EGFR antisense RNA 1; minus strand), EGFR (epidermal growth factor receptor; plus strand). Cytogenetic location: 7p11.2.
Variant type: single nucleotide variant.
Coding change: c.2427T>C on transcript NM_005228.5 (MANE Select); coding-DNA position 2427, T replaced by C.
Protein change: p.Ile809=; no amino-acid change (isoleucine 809 retained).
Molecular consequence: synonymous variant. On other transcripts: non-coding transcript variant (1).
Genome position (GRCh38, 1-based): chr7:55,181,436, T>C. VCF-style: chr7-55181436-T-C. GRCh37 (hg19) VCF-style: chr7-55249129-T-C.
Other names: c.2292T>C, p.Ile764= (NM_001346897.2, NM_001346899.2); c.2427T>C, p.Ile809= (NM_001346898.2); c.2268T>C, p.Ile756= (NM_001346900.2); c.1626T>C, p.Ile542= (NM_001346941.2); c.2427T>C (NM_005228.3).
Identifiers: ClinVar variation 1167905 (VCV001167905.11), dbSNP rs571225968, ClinGen allele CA4266070.

ClinVar aggregate classification (germline): Benign/Likely benign. Review status: criteria provided, multiple submitters, no conflicts (2 of 4 stars). 3 submissions from 3 submitters: Benign (2); Likely benign (1). Last evaluated 2025-11-11.

Conditions:
EGFR-related lung cancer (EGFR). Identifiers: MedGen CN130014.
Lung cancer. Also called: Lung cancer, somatic; Malignant tumor of lung. Identifiers: MedGen C0242379, MONDO:0008903, OMIM 211980.
Hereditary cancer-predisposing syndrome. Also called: Hereditary Cancer Syndrome; Hereditary neoplastic syndrome; Neoplastic Syndromes, Hereditary; Tumor predisposition. Identifiers: Orphanet 140162, MedGen C0027672, MeSH D009386, MONDO:0015356.

Allele frequency attached by ClinVar (database versions not stated): gnomAD 0.00001 and 0.00004; TOPMed 0.00004; gnomAD exomes 0.00008 and 0.00017; 1000 Genomes Project 30x 0.00016; 1000 Genomes Project 0.00020; ExAC 0.00021.
gnomAD v4.1: 125 of 1,614,190 alleles (0.0077%); highest among the groups gnomAD compares: South Asian, 0.13%; no homozygotes.

Submissions (3):

Labcorp Genetics (formerly Invitae), Labcorp
Classification: Benign for EGFR-related lung cancer. Last evaluated: 2025-11-11. Review status: criteria provided, single submitter. Criteria: Invitae Variant Classification Sherloc (09022015). Collection method: clinical testing. Allele origin: germline.

Myriad Genetics, Inc.
Classification: Benign for Lung cancer. Last evaluated: 2024-10-16. Review status: criteria provided, single submitter. Criteria: Myriad Autosomal Dominant, Autosomal Recessive and X-Linked Classification Criteria (2023). Collection method: clinical testing. Allele origin: unknown.
Comment: This variant is considered benign. This variant is a silent/synonymous amino acid change and it is not expected to impact splicing.

Ambry Genetics
Classification: Likely benign for Hereditary cancer-predisposing syndrome. Last evaluated: 2024-01-30. Review status: criteria provided, single submitter. Criteria: Ambry Variant Classification Scheme 2023. Collection method: clinical testing. Allele origin: germline.